The following is an entry in ClinVar:

ClinVar aggregate classification (germline): Uncertain significance. Review status: criteria provided, multiple submitters, no conflicts (2 of 4 stars). 2 submissions from 2 submitters: Uncertain significance (2). Last evaluated 2025-07-14.

Allele frequency attached by ClinVar (database versions not stated): ESP Exome Variant Server 0.00008; gnomAD 0.00001; gnomAD exomes 0.00001 and 0.00004; TOPMed 0.00001; ExAC 0.00002.
gnomAD v4.1: 61 of 1,613,608 alleles (0.0038%); highest among the groups gnomAD compares: Non-Finnish European, 0.0049%; 1 homozygote.

Submissions (2):

Ambry Genetics
Classification: Uncertain significance. Last evaluated: 2025-07-14. Review status: criteria provided, single submitter. Criteria: Ambry Variant Classification Scheme 2023. Collection method: clinical testing. Allele origin: germline.

GeneDx
Classification: Uncertain significance. Last evaluated: 2017-10-04. Review status: criteria provided, single submitter. Criteria: GeneDx Variant Classification (06012015). Collection method: clinical testing. Allele origin: germline. Affected: yes.
Comment: The N1053K variant in the PLEKHM1 gene has not been reported previously as a pathogenic variant, nor as a benign variant, to our knowledge. The N1053K variant is observed in 1/34,420 (0.003%) alleles from individuals of Latino background and in 3/126,608 (0.002%) alleles from individuals of non-Finnish European background in the gnomAD dataset (Lek et al., 2016). The N1053K variant is a semi-conservative amino acid substitution, which may impact secondary protein structure as these residues differ in some properties. However, this substitution occurs at a position that is not conserved, and in silico analysis predicts this variant likely does not alter the protein structure/function. We interpret N1053K as a variant of uncertain significance.

NM_014798.3(PLEKHM1):c.3159C>A (p.Asn1053Lys)

Gene: PLEKHM1 (pleckstrin homology and RUN domain containing M1; minus strand). Cytogenetic location: 17q21.31.
Variant type: single nucleotide variant.
Coding change: c.3159C>A on transcript NM_014798.3 (MANE Select); coding-DNA position 3159, C replaced by A.
Protein change: p.Asn1053Lys; replaces asparagine 1053 with lysine.
Molecular consequence: missense variant. On other transcripts: non-coding transcript variant (2).
Genome position (GRCh38, 1-based): chr17:45,437,870, G>T on the plus strand (C>A on the coding strand, the complement: PLEKHM1 is on the minus strand). VCF-style: chr17-45437870-G-T. GRCh37 (hg19) VCF-style: chr17-43515236-G-T.
Other names: short protein forms N1053K.
Identifiers: ClinVar variation 452522 (VCV000452522.6), dbSNP rs372927279, ClinGen allele CA8615405.